The following is an entry in ClinVar:

NM_001127222.2(CACNA1A):c.7303_7314dup (p.Pro2438_Pro2439insAspAlaProPro)

Gene: CACNA1A (calcium voltage-gated channel subunit alpha1 A; minus strand). Cytogenetic location: 19p13.13.
Variant type: Duplication.
Coding change: c.7303_7314dup on transcript NM_001127222.2 (MANE Select); coding-DNA positions 7303 to 7314, 12 bases duplicated (GACGCGCCACCC).
Protein change: p.Pro2438_Pro2439insAspAlaProPro.
Molecular consequence: inframe insertion. On other transcripts: 3 prime UTR variant (4).
Genome position (GRCh38, 1-based): chr19:13,207,520-13,207,531, GGGTGGCGCGTC duplicated on the plus strand (GACGCGCCACCC on the coding strand, the reverse complement: CACNA1A is on the minus strand); duplicating any 12 consecutive bases within chr19:13,207,520-13,207,532 gives the same sequence; the c. name uses the placement nearest the transcript's 3' end. VCF-style (leftmost placement, unchanged base first): chr19-13207519-G-GGGGTGGCGCGTC. GRCh37 (hg19) VCF-style: chr19-13318333-G-GGGGTGGCGCGTC.
Other names: c.7321_7332dup, p.Pro2444_Pro2445insAspAlaProPro (NM_023035.3); c.*515_*526dup12 (NM_001127221.2); c.*515_*526dup (NM_000068.4, NM_001127221.2, NM_001174080.2).
Identifiers: ClinVar variation 4535769 (VCV004535769.1).

ClinVar aggregate classification (germline): Uncertain significance (1 of 4 stars; one submission).

Submission:

Women's Health and Genetics/Laboratory Corporation of America, LabCorp
Classification: Uncertain significance. Last evaluated: 2025-09-04. Review status: criteria provided, single submitter. Criteria: LabCorp Variant Classification Summary - May 2015. Collection method: clinical testing. Allele origin: germline.
Comment: Variant summary: CACNA1A NM_023035.3 c.7321_7332dup12 (p.Asp2441_Pro2444dup) results in an in-frame duplication that is predicted to duplicate four amino acids into the encoded protein. This variant is also annotated as CACNA1A NM_001127221.2 c.*515_*526dup12 and is located in the untranslated mRNA region downstream of the termination codon. The frequency data for this variant in gnomAD is considered unreliable, as metrics indicate poor data quality at this position. To our knowledge, no occurrence of this variant in individuals affected with CACNA1A-related conditions and no experimental evidence demonstrating its impact on protein function have been reported. No submitters have cited clinical-significance assessments for this variant to ClinVar. Based on the evidence outlined above, the variant was classified as uncertain significance.